The following is an entry in ClinVar:

NM_017739.4(POMGNT1):c.208G>A (p.Glu70Lys)

Gene: POMGNT1 (protein O-linked mannose N-acetylglucosaminyltransferase 1 (beta 1,2-); minus strand). Cytogenetic location: 1p34.1.
Variant type: single nucleotide variant.
Coding change: c.208G>A on transcript NM_017739.4 (MANE Select); coding-DNA position 208, G replaced by A.
Protein change: p.Glu70Lys; replaces glutamic acid 70 with lysine.
Molecular consequence: missense variant. On other transcripts: 5 prime UTR variant (1).
Genome position (GRCh38, 1-based): chr1:46,196,997, C>T on the plus strand (G>A on the coding strand, the complement: POMGNT1 is on the minus strand). VCF-style: chr1-46196997-C-T. GRCh37 (hg19) VCF-style: chr1-46662669-C-T.
Other names: c.208G>A, p.Glu70Lys (NM_001243766.2, NM_001410783.1); c.142G>A, p.Glu48Lys (NM_001290129.3); c.-222G>A (NM_001290130.2); short protein forms E70K, E48K.
Identifiers: ClinVar variation 282829 (VCV000282829.20), dbSNP rs201361648, ClinGen allele CA833829.

ClinVar aggregate classification (germline): Uncertain significance. Review status: criteria provided, multiple submitters, no conflicts (2 of 4 stars). 9 submissions from 9 submitters: Uncertain significance (7). 2 of the submissions do not count toward it. Last evaluated 2025-06-03.

Conditions:
Inborn genetic diseases. Identifiers: MedGen C0950123, MeSH D030342.
Muscle eye brain disease (MEB). Also called: Santavuori congenital muscular dystrophy. Identifiers: Orphanet 588, Orphanet 899, MedGen C0457133, MONDO:0018939.
Retinal dystrophy. Also called: Inherited retinal dystrophy. Identifiers: Orphanet 71862, MedGen C0854723, MeSH D058499, MONDO:0019118, HP:0000556.
Muscular dystrophy-dystroglycanopathy (congenital with impaired intellectual development), type B, 3. Also called: Muscular dystrophy-dystroglycanopathy (congenital with intellectual disability), type B3; MUSCULAR DYSTROPHY, CONGENITAL, POMGNT1-RELATED. Identifiers: MedGen C3150412, MONDO:0013155, OMIM 613151.
Autosomal recessive limb-girdle muscular dystrophy type 2O. Also called: MUSCULAR DYSTROPHY-DYSTROGLYCANOPATHY, LIMB-GIRDLE, POMGNT1-RELATED; Limb-Girdle Muscular Dystrophy Type 3C; MUSCULAR DYSTROPHY-DYSTROGLYCANOPATHY (LIMB-GIRDLE), TYPE C, 3. Identifiers: Orphanet 206564, MedGen C3150417, MONDO:0013161, OMIM 613157.

Allele frequency attached by ClinVar (database versions not stated): gnomAD exomes 0.00005 and 0.00003; ExAC 0.00002; gnomAD 0.00004; TOPMed 0.00006; ESP Exome Variant Server 0.00015.
gnomAD v4.1: 81 of 1,614,098 alleles (0.005%); highest among the groups gnomAD compares: Admixed American, 0.01%; no homozygotes.

Submissions (9):

GeneDx
Classification: Uncertain significance. Last evaluated: 2025-06-03. Review status: criteria provided, single submitter. Criteria: GeneDx Variant Classification Process June 2021. Collection method: clinical testing. Allele origin: germline. Affected: yes.
Comment: Not observed at significant frequency in large population cohorts (gnomAD); In silico analysis suggests that this missense variant does not alter protein structure/function; Has not been previously published as pathogenic or benign to our knowledge; This variant is associated with the following publications: (PMID: 24282183)

Revvity Omics, Revvity
Classification: Uncertain significance. Last evaluated: 2025-05-26. Review status: criteria provided, single submitter. Criteria: ACMG Guidelines, 2015. Collection method: clinical testing. Allele origin: germline.

Ambry Genetics
Classification: Uncertain significance for Inborn genetic diseases. Last evaluated: 2025-05-03. Review status: criteria provided, single submitter. Criteria: Ambry Variant Classification Scheme 2023. Collection method: clinical testing. Allele origin: germline.

Labcorp Genetics (formerly Invitae), Labcorp
Classification: Uncertain significance for Autosomal recessive limb-girdle muscular dystrophy type 2O; Muscular dystrophy-dystroglycanopathy (congenital with impaired intellectual development), type B, 3. Last evaluated: 2025-01-13. Review status: criteria provided, single submitter. Criteria: Invitae Variant Classification Sherloc (09022015). Collection method: clinical testing. Allele origin: germline.
Comment: This sequence change replaces glutamic acid, which is acidic and polar, with lysine, which is basic and polar, at codon 70 of the POMGNT1 protein (p.Glu70Lys). This variant is present in population databases (rs201361648, gnomAD 0.01%). This variant has not been reported in the literature in individuals affected with POMGNT1-related conditions. ClinVar contains an entry for this variant (Variation ID: 282829). Invitae Evidence Modeling of protein sequence and biophysical properties (such as structural, functional, and spatial information, amino acid conservation, physicochemical variation, residue mobility, and thermodynamic stability) indicates that this missense variant is not expected to disrupt POMGNT1 protein function with a negative predictive value of 95%. In summary, the available evidence is currently insufficient to determine the role of this variant in disease. Therefore, it has been classified as a Variant of Uncertain Significance.

Blueprint Genetics
Classification: Uncertain significance. Last evaluated: 2023-04-21. Review status: criteria provided, single submitter. Criteria: ACMG Guidelines, 2015. Collection method: clinical testing. Allele origin: germline.

Mendelics
Classification: Uncertain significance. Last evaluated: 2022-05-04. Review status: criteria provided, single submitter. Criteria: Mendelics Assertion Criteria 2019. Collection method: clinical testing. Allele origin: germline.

Eurofins Ntd Llc (ga)
Classification: Uncertain significance. Last evaluated: 2015-08-19. Review status: criteria provided, single submitter. Criteria: EGL Classification Definitions 2015. Collection method: clinical testing. Allele origin: germline. Observed: 2 variant alleles, 2 heterozygotes.

Natera, Inc.
Classification: Uncertain significance for Muscle-eye-brain disease. Last evaluated: 2020-01-12. Review status: no assertion criteria provided. Collection method: clinical testing. Allele origin: germline. Not counted in ClinVar's aggregate classification.

Institute of Human Genetics, Univ. Regensburg, Univ. Regensburg
Classification: Uncertain significance for Retinal dystrophy. Last evaluated: 2017-01-01. Review status: no assertion criteria provided. Criteria: ACMG Guidelines, 2015. Collection method: clinical testing. Allele origin: germline. Affected: yes. Not counted in ClinVar's aggregate classification.